The following is an entry in ClinVar:

NM_001260.3(CDK8):c.533G>A (p.Arg178Gln)

Gene: CDK8 (cyclin dependent kinase 8; plus strand). Cytogenetic location: 13q12.13.
Variant type: single nucleotide variant.
Coding change: c.533G>A on transcript NM_001260.3 (MANE Select); coding-DNA position 533, G replaced by A.
Protein change: p.Arg178Gln; replaces arginine 178 with glutamine.
Molecular consequence: missense variant.
Genome position (GRCh38, 1-based): chr13:26,385,229, G>A. VCF-style: chr13-26385229-G-A. GRCh37 (hg19) VCF-style: chr13-26959366-G-A.
Other names: c.533G>A, p.Arg178Gln (NM_001318368.2); c.14G>A, p.Arg5Gln (NM_001346501.2); c.533G>A (NM_001260.1); short protein forms R178Q, R5Q.
Identifiers: ClinVar variation 3358926 (VCV003358926.2).

ClinVar aggregate classification (germline): Pathogenic. Review status: criteria provided, single submitter (1 of 4 stars). 2 submissions from 2 submitters: Pathogenic (1). 1 of the submissions does not count toward it. Last evaluated 2025-02-05.

Conditions:
Intellectual developmental disorder with hypotonia and behavioral abnormalities. Identifiers: MedGen C5231489, MONDO:0032897, OMIM 618748.

gnomAD v4.1: 3 of 1,609,206 alleles (0.00019%); highest among the groups gnomAD compares: Non-Finnish European, 0.00025%; no homozygotes.

Submissions (2):

GeneDx
Classification: Pathogenic. Last evaluated: 2025-02-05. Review status: criteria provided, single submitter. Criteria: GeneDx Variant Classification Process June 2021. Collection method: clinical testing. Allele origin: germline. Affected: yes.
Comment: Published functional studies demonstrate impaired kinase activity compared to wild type (PMID: 30905399); In silico analysis supports that this missense variant has a deleterious effect on protein structure/function; This variant is associated with the following publications: (PMID: 31988137, 30905399)

Molecular Genetics Laboratory, BC Children's and BC Women's Hospitals
Classification: Likely pathogenic for Intellectual developmental disorder with hypotonia and behavioral abnormalities. Last evaluated: 2024-06-26. Review status: no assertion criteria provided. Criteria: ACMG Guidelines, 2015. Collection method: clinical testing. Allele origin: de novo. Affected: yes. Not counted in ClinVar's aggregate classification.